The following is an entry in ClinVar:

ClinVar aggregate classification (germline): Benign/Likely benign. Review status: criteria provided, multiple submitters, no conflicts (2 of 4 stars). 4 submissions from 4 submitters: Benign (1); Likely benign (3). Last evaluated 2025-05-19.

Conditions:
Hereditary cancer-predisposing syndrome. Also called: Neoplastic Syndromes, Hereditary; Tumor predisposition; Hereditary neoplastic syndrome; Hereditary Cancer Syndrome. Identifiers: Orphanet 140162, MedGen C0027672, MeSH D009386, MONDO:0015356.
Familial adenomatous polyposis 1 (FAP1). Also called: POLYPOSIS, ADENOMATOUS INTESTINAL; FAMILIAL ADENOMATOUS POLYPOSIS 1, ATTENUATED. Identifiers: MedGen C2713442, MONDO:0021056, OMIM 175100. Disease mechanism: loss of function.

Allele frequency attached by ClinVar (database versions not stated): ESP Exome Variant Server 0.00008.

Submissions (4):

Labcorp Genetics (formerly Invitae), Labcorp
Classification: Likely benign for Familial adenomatous polyposis 1. Last evaluated: 2025-05-19. Review status: criteria provided, single submitter. Criteria: Invitae Variant Classification Sherloc (09022015). Collection method: clinical testing. Allele origin: germline.

Myriad Genetics, Inc.
Classification: Benign for Familial adenomatous polyposis 1. Last evaluated: 2024-03-21. Review status: criteria provided, single submitter. Criteria: Myriad Autosomal Dominant, Autosomal Recessive and X-Linked Classification Criteria (2023). Collection method: clinical testing. Allele origin: unknown.
Comment: This variant is considered benign. This variant is a silent/synonymous amino acid change and it is not expected to impact splicing.

Color Diagnostics, LLC DBA Color Health
Classification: Likely benign for Hereditary cancer-predisposing syndrome. Last evaluated: 2020-12-13. Review status: criteria provided, single submitter. Criteria: ACMG Guidelines, 2015. Collection method: clinical testing. Allele origin: germline.

Ambry Genetics
Classification: Likely benign for Hereditary cancer-predisposing syndrome. Last evaluated: 2018-11-08. Review status: criteria provided, single submitter. Criteria: Ambry Variant Classification Scheme 2023. Collection method: clinical testing. Allele origin: germline.

NM_000038.6(APC):c.3687T>C (p.Asn1229=)

Gene: APC (APC regulator of Wnt signaling pathway; plus strand). Cytogenetic location: 5q22.2.
Variant type: single nucleotide variant.
Coding change: c.3687T>C on transcript NM_000038.6 (MANE Select); coding-DNA position 3687, T replaced by C.
Protein change: p.Asn1229=; no amino-acid change (asparagine 1229 retained).
Molecular consequence: synonymous variant.
Genome position (GRCh38, 1-based): chr5:112,839,281, T>C. VCF-style: chr5-112839281-T-C. GRCh37 (hg19) VCF-style: chr5-112174978-T-C.
Other names: c.3687T>C, p.Asn1229= (NM_001127510.3, NM_001354895.2); c.3633T>C, p.Asn1211= (NM_001127511.3); c.3741T>C, p.Asn1247= (NM_001354896.2); c.3717T>C, p.Asn1239= (NM_001354897.2); c.3612T>C, p.Asn1204= (NM_001354898.2); c.3603T>C, p.Asn1201= (NM_001354899.2); c.3564T>C, p.Asn1188= (NM_001354900.2); c.3510T>C, p.Asn1170= (NM_001354901.2); and 5 more.
Identifiers: ClinVar variation 824069 (VCV000824069.14), dbSNP rs149045486, ClinGen allele CA125167776.